The following is an entry in ClinVar:

NM_004655.4(AXIN2):c.2401T>C (p.Tyr801His)

Gene: AXIN2 (axin 2; minus strand). Cytogenetic location: 17q24.1.
Variant type: single nucleotide variant.
Coding change: c.2401T>C on transcript NM_004655.4 (MANE Select); coding-DNA position 2401, T replaced by C.
Protein change: p.Tyr801His; replaces tyrosine 801 with histidine.
Molecular consequence: missense variant.
Genome position (GRCh38, 1-based): chr17:65,533,916, A>G on the plus strand (T>C on the coding strand, the complement: AXIN2 is on the minus strand). VCF-style: chr17-65533916-A-G. GRCh37 (hg19) VCF-style: chr17-63530034-A-G.
Other names: c.2206T>C, p.Tyr736His (NM_001363813.1); short protein forms Y736H, Y801H.
Identifiers: ClinVar variation 4187462 (VCV004187462.1).

ClinVar aggregate classification (germline): Uncertain significance (1 of 4 stars; one submission).

Conditions:
Hereditary cancer-predisposing syndrome. Also called: Neoplastic Syndromes, Hereditary; Tumor predisposition; Hereditary Cancer Syndrome; Hereditary neoplastic syndrome. Identifiers: Orphanet 140162, MedGen C0027672, MeSH D009386, MONDO:0015356.

Submission:

Ambry Genetics
Classification: Uncertain significance for Hereditary cancer-predisposing syndrome. Last evaluated: 2025-07-18. Review status: criteria provided, single submitter. Criteria: Ambry Variant Classification Scheme 2023. Collection method: clinical testing. Allele origin: germline.
Comment: The p.Y801H variant (also known as c.2401T>C), located in coding exon 9 of the AXIN2 gene, results from a T to C substitution at nucleotide position 2401. The tyrosine at codon 801 is replaced by histidine, an amino acid with similar properties. This amino acid position is conserved. In addition, this alteration is predicted to be deleterious by in silico analysis. Based on the available evidence, the clinical significance of this variant remains unclear.